The following is an entry in ClinVar:

ClinVar aggregate classification (germline): Pathogenic (1 of 4 stars; one submission).

Conditions:
Glycogen storage disease, type II (IOPD). Also called: CARDIOMEGALIA GLYCOGENICA DIFFUSA; POMPE DISEASE, INFANTILE-ONSET; GLYCOGEN STORAGE DISEASE II, INFANTILE-ONSET; ACID ALPHA-GLUCOSIDASE DEFICIENCY, INFANTILE-ONSET; GAA DEFICIENCY, INFANTILE-ONSET; ACID MALTASE DEFICIENCY, INFANTILE-ONSET. Identifiers: Orphanet 365, MedGen C0017921, MONDO:0009290, OMIM 232300.

Submission:

Labcorp Genetics (formerly Invitae), Labcorp
Classification: Pathogenic for Glycogen storage disease, type II. Last evaluated: 2022-10-12. Review status: criteria provided, single submitter. Criteria: Invitae Variant Classification Sherloc (09022015). Collection method: clinical testing. Allele origin: germline.
Comment: This sequence change creates a premature translational stop signal (p.Phe667Leufs*38) in the GAA gene. It is expected to result in an absent or disrupted protein product. Loss-of-function variants in GAA are known to be pathogenic (PMID: 18425781, 22252923). This variant is not present in population databases (gnomAD no frequency). This variant has not been reported in the literature in individuals affected with GAA-related conditions. For these reasons, this variant has been classified as Pathogenic.

Literature cited by the submitters: PubMed 18425781; PubMed 22252923.

NM_000152.5(GAA):c.1975_2000dup (p.Phe667fs)

Gene: GAA (alpha glucosidase; plus strand). Cytogenetic location: 17q25.3.
Variant type: Duplication.
Coding change: c.1975_2000dup on transcript NM_000152.5 (MANE Select); coding-DNA positions 1975 to 2000, 26 bases duplicated (GTGCGCTGGACCCAGCTGGGGGCCTT).
Protein change: p.Phe667fs; shifts the reading frame from phenylalanine 667.
Molecular consequence: frameshift variant.
Genome position (GRCh38, 1-based): chr17:80,112,962-80,112,987, GTGCGCTGGACCCAGCTGGGGGCCTT duplicated; duplicating any 26 consecutive bases within chr17:80,112,961-80,112,987 gives the same sequence; the c. name uses the placement nearest the transcript's 3' end. VCF-style (leftmost placement, unchanged base first): chr17-80112960-G-GTGTGCGCTGGACCCAGCTGGGGGCCT. GRCh37 (hg19) VCF-style: chr17-78086759-G-GTGTGCGCTGGACCCAGCTGGGGGCCT.
Other names: c.1975_2000dup, p.Phe667fs (NM_001079803.3, NM_001079804.3); c.1975_2000dup, p.Phe667Leufs (NM_001406741.1, NM_001406742.1); short protein forms F667fs.
Identifiers: ClinVar variation 2035264 (VCV002035264.4), dbSNP rs2510384097, ClinGen allele CA2580095803.